The following is an entry in ClinVar:

NM_017654.4(SAMD9):c.874G>C (p.Val292Leu)

Gene: SAMD9 (sterile alpha motif domain containing 9; minus strand). Cytogenetic location: 7q21.2.
Variant type: single nucleotide variant.
Coding change: c.874G>C on transcript NM_017654.4 (MANE Select); coding-DNA position 874, G replaced by C.
Protein change: p.Val292Leu; replaces valine 292 with leucine.
Molecular consequence: missense variant.
Genome position (GRCh38, 1-based): chr7:93,105,224, C>G on the plus strand (G>C on the coding strand, the complement: SAMD9 is on the minus strand). VCF-style: chr7-93105224-C-G. GRCh37 (hg19) VCF-style: chr7-92734537-C-G.
Other names: c.874G>C, p.Val292Leu (NM_001193307.2); short protein forms V292L.
Identifiers: ClinVar variation 3437050 (VCV003437050.1).
Genomic context (GRCh38, chr7:93,105,224, plus strand): 5'-GTGGAATAATGTCCACTTCAATAACAAATCTGTCAGATAGAGTACTATTTGGCAGTAAAA[C>G]TTCCACAAATCTTGGCTCTCGAATGCACTTCTTTGCTTGTTGGACTTGATGGTCTTCAAA-3'
Protein context (NP_060124.2, residues 282-302): KCIREPRFVE[Val292Leu]LLPNSTLSDR

ClinVar aggregate classification (germline): Uncertain significance (1 of 4 stars; one submission).

Conditions:
Inborn genetic diseases. Identifiers: MedGen C0950123, MeSH D030342.

gnomAD v4.1: 1 of 1,613,920 alleles (0.000062%); no homozygotes.

Submission:

Ambry Genetics
Classification: Uncertain significance for Inborn genetic diseases. Last evaluated: 2024-11-26. Review status: criteria provided, single submitter. Criteria: Ambry Variant Classification Scheme 2023. Collection method: clinical testing. Allele origin: germline.
Comment: The p.V292L variant (also known as c.874G>C), located in coding exon 1 of the SAMD9 gene, results from a G to C substitution at nucleotide position 874. The valine at codon 292 is replaced by leucine, an amino acid with highly similar properties. This amino acid position is conserved. In addition, this alteration is predicted to be tolerated by in silico analysis. Based on the available evidence, the clinical significance of this variant remains unclear.